The following is an entry in ClinVar:

ClinVar aggregate classification (germline): Likely pathogenic (0 of 4 stars; one submission).

Conditions:
TMEM237-related disorder. Also called: TMEM237-related condition.

Submission:

PreventionGenetics, part of Exact Sciences
Classification: Likely pathogenic for TMEM237-related condition. Last evaluated: 2024-01-29. Review status: no assertion criteria provided. Collection method: clinical testing. Allele origin: germline.
Comment: The TMEM237 c.550delA variant is predicted to result in a frameshift and premature protein termination (p.Ser184Alafs*12). To our knowledge, this variant has not been reported in the literature or in a large population database, indicating this variant is rare. Frameshift variants in TMEM237 are expected to be pathogenic. This variant is interpreted as likely pathogenic.

NM_001044385.3(TMEM237):c.550del (p.Ser184fs)

Gene: TMEM237 (transmembrane protein 237; minus strand). Cytogenetic location: 2q33.1.
Variant type: Deletion.
Coding change: c.550del on transcript NM_001044385.3 (MANE Select); coding-DNA position 550, one base deleted (A; older notation c.550delA).
Protein change: p.Ser184fs; shifts the reading frame from serine 184.
Molecular consequence: frameshift variant.
Genome position (GRCh38, 1-based): chr2:201,632,054, T deleted on the plus strand (A on the coding strand, the reverse complement: TMEM237 is on the minus strand); the first of 6 consecutive T bases (chr2:201,632,054-201,632,059); deleting any one gives the same sequence. VCF-style (leftmost placement, unchanged base first): chr2-201632053-CT-C. GRCh37 (hg19) VCF-style: chr2-202496776-CT-C.
Other names: c.526del, p.Ser176fs (NM_152388.4); short protein forms S176fs, S184fs.
Identifiers: ClinVar variation 2631730 (VCV002631730.3), dbSNP rs1234599681, ClinGen allele CA645526019.
Genomic context (GRCh38, chr2:201,632,053, plus strand): 5'-AGGATATCCTTGGACAATTTTTAAAGAGTTCATATTCTAAAACAAGGCATCTACTTACGG[CT>C]TTTTTCCACAAATACTTTGCCTACAGGCTGGCTAATGCCAGTGGGTGCAGTGAATACAGA-3'